The following is an entry in ClinVar:

NM_000260.4(MYO7A):c.5716G>A (p.Val1906Ile)

Gene: MYO7A (myosin VIIA; plus strand). Cytogenetic location: 11q13.5.
Variant type: single nucleotide variant.
Coding change: c.5716G>A on transcript NM_000260.4 (MANE Select); coding-DNA position 5716, G replaced by A.
Protein change: p.Val1906Ile; replaces valine 1906 with isoleucine.
Molecular consequence: missense variant.
Genome position (GRCh38, 1-based): chr11:77,206,176, G>A. VCF-style: chr11-77206176-G-A. GRCh37 (hg19) VCF-style: chr11-76917221-G-A.
Other names: c.5602G>A, p.Val1868Ile (NM_001127180.2); c.5569G>A, p.Val1857Ile (NM_001369365.1); short protein forms V1857I, V1868I, V1906I.
Identifiers: ClinVar variation 1695807 (VCV001695807.2), dbSNP rs2135739798, ClinGen allele CA381953336.

ClinVar aggregate classification (germline): Uncertain significance (1 of 4 stars; one submission).

Allele frequency attached by ClinVar (database versions not stated): gnomAD exomes below 0.00001.
gnomAD v4.1: 1 of 1,613,116 alleles (0.000062%); highest among the groups gnomAD compares: Non-Finnish European, 0.000085%; no homozygotes.

Submission:

GeneDx
Classification: Uncertain significance. Last evaluated: 2022-01-11. Review status: criteria provided, single submitter. Criteria: GeneDx Variant Classification Process June 2021. Collection method: clinical testing. Allele origin: germline. Affected: yes.
Comment: Not observed at significant frequency in large population cohorts (gnomAD); In silico analysis supports that this missense variant does not alter protein structure/function; Has not been previously published as pathogenic or benign to our knowledge